The following is an entry in ClinVar:

NM_000057.4(BLM):c.1210C>T (p.Arg404Trp)

Gene: BLM (BLM RecQ like helicase; plus strand). Cytogenetic location: 15q26.1.
Variant type: single nucleotide variant.
Coding change: c.1210C>T on transcript NM_000057.4 (MANE Select); coding-DNA position 1210, C replaced by T.
Protein change: p.Arg404Trp; replaces arginine 404 with tryptophan.
Molecular consequence: missense variant.
Genome position (GRCh38, 1-based): chr15:90,760,269, C>T. VCF-style: chr15-90760269-C-T. GRCh37 (hg19) VCF-style: chr15-91303499-C-T.
Other names: c.1210C>T (NM_000057.2); c.1210C>T, p.Arg404Trp (NM_001287246.2, NM_001287247.2); c.85C>T, p.Arg29Trp (NM_001287248.2); short protein forms R404W, R29W.
Identifiers: ClinVar variation 454068 (VCV000454068.12), dbSNP rs770721765, ClinGen allele CA7738484.

ClinVar aggregate classification (germline): Conflicting classifications of pathogenicity. Review status: criteria provided, conflicting classifications (1 of 4 stars). 6 submissions from 6 submitters: Likely pathogenic (1); Uncertain significance (4). 1 of the submissions does not count toward it. Last evaluated 2026-07-30.

Conditions:
Hereditary cancer-predisposing syndrome. Also called: Tumor predisposition; Hereditary neoplastic syndrome; Neoplastic Syndromes, Hereditary; Hereditary Cancer Syndrome. Identifiers: Orphanet 140162, MedGen C0027672, MeSH D009386, MONDO:0015356.
Bloom syndrome (BLM). Also called: Bloom-Torre-Machacek syndrome. Identifiers: Orphanet 125, MedGen C0005859, MONDO:0008876, OMIM 210900.

Allele frequency attached by ClinVar (database versions not stated): TOPMed below 0.00001; gnomAD 0.00001; gnomAD exomes 0.00001 and 0.00004; ExAC 0.00002.

Submissions (6):

Myriad Genetics, Inc.
Classification: Uncertain significance for Bloom syndrome. Last evaluated: 2026-07-30. Review status: criteria provided, single submitter. Criteria: Myriad Autosomal Dominant, Autosomal Recessive and X-Linked Classification Criteria (2023). Collection method: clinical testing. Allele origin: unknown.
Comment: NM_000057.3(BLM):c.1210C>T(R404W) is a missense variant classified as a variant of uncertain significance in the context of Bloom syndrome. R404W has not been observed in cases with relevant disease. Relevant functional assessments of this variant are not available in the literature. R404W has been observed in referenced population frequency databases. In summary, there is insufficient evidence to classify NM_000057.3(BLM):c.1210C>T(R404W) as pathogenic or benign. Please note: this variant was assessed in the context of healthy population screening.

Labcorp Genetics (formerly Invitae), Labcorp
Classification: Uncertain significance for Bloom syndrome. Last evaluated: 2025-09-10. Review status: criteria provided, single submitter. Criteria: Invitae Variant Classification Sherloc (09022015). Collection method: clinical testing. Allele origin: germline.
Comment: This sequence change replaces arginine, which is basic and polar, with tryptophan, which is neutral and slightly polar, at codon 404 of the BLM protein (p.Arg404Trp). This variant is present in population databases (rs770721765, gnomAD 0.01%). This missense change has been observed in individual(s) with a personal and/or family history of hereditary breast, ovarian, and/or colorectal cancer (PMID: 32522261). ClinVar contains an entry for this variant (Variation ID: 454068). Invitae Evidence Modeling of protein sequence and biophysical properties (such as structural, functional, and spatial information, amino acid conservation, physicochemical variation, residue mobility, and thermodynamic stability) indicates that this missense variant is expected to disrupt BLM protein function with a positive predictive value of 80%. In summary, the available evidence is currently insufficient to determine the role of this variant in disease. Therefore, it has been classified as a Variant of Uncertain Significance.

GeneDx
Classification: Likely pathogenic. Last evaluated: 2024-09-11. Review status: criteria provided, single submitter. Criteria: GeneDx Variant Classification Process June 2021. Collection method: clinical testing. Allele origin: germline. Affected: yes.
Comment: Observed in individuals with hereditary breast/ovarian or colorectal cancer (PMID: 32522261); Not observed at significant frequency in large population cohorts (gnomAD); In silico analysis supports that this missense variant has a deleterious effect on protein structure/function; This variant is associated with the following publications: (PMID: 32522261)

Ambry Genetics
Classification: Uncertain significance for Hereditary cancer-predisposing syndrome. Last evaluated: 2023-09-16. Review status: criteria provided, single submitter. Criteria: Ambry Variant Classification Scheme 2023. Collection method: clinical testing. Allele origin: germline.
Comment: The p.R404W variant (also known as c.1210C>T), located in coding exon 5 of the BLM gene, results from a C to T substitution at nucleotide position 1210. The arginine at codon 404 is replaced by tryptophan, an amino acid with dissimilar properties. This amino acid position is highly conserved in available vertebrate species. In addition, this alteration is predicted to be deleterious by in silico analysis. Since supporting evidence is limited at this time, the clinical significance of this alteration remains unclear.

Quest Diagnostics Nichols Institute San Juan Capistrano
Classification: Uncertain significance. Last evaluated: 2021-09-02. Review status: criteria provided, single submitter. Criteria: Quest Diagnostics criteria. Collection method: clinical testing. Allele origin: unknown.

Natera, Inc.
Classification: Uncertain significance for Bloom syndrome. Last evaluated: 2020-09-16. Review status: no assertion criteria provided. Collection method: clinical testing. Allele origin: germline. Not counted in ClinVar's aggregate classification.

Literature cited by the submitters: PubMed 32522261 (cited by Labcorp Genetics (formerly Invitae), Labcorp).